The following is an entry in ClinVar:

ClinVar aggregate classification (germline): Benign (1 of 4 stars; one submission).

Conditions:
MELAS syndrome (MELAS). Also called: Juvenile myopathy, encephalopathy, lactic acidosis, stroke. Identifiers: Orphanet 550, MedGen C0162671, MONDO:0010789, OMIM 540000.

Submission:

Wong Mito Lab, Molecular and Human Genetics, Baylor College of Medicine
Classification: Benign for MELAS syndrome. Last evaluated: 2019-07-12. Review status: criteria provided, single submitter. Criteria: Modified ACMG Guidelines (Unpublished). Collection method: clinical testing. Allele origin: germline.
Comment: The NC_012920.1:m.5592A>G variant in MT-TA gene is interpreted to be a Benign variant based on the modified ACMG guidelines (unpublished). This variant meets the following evidence codes reported in the guidelines: BS1, BS2, BP4

Literature cited by the submitters: PubMed 31965079.

NC_012920.1(MT-TA):m.5592A>G

Gene: MT-TA (mitochondrially encoded tRNA alanine; minus strand).
Variant type: single nucleotide variant.
Genome position: chrM-5592-A-G.
Identifiers: ClinVar variation 689950 (VCV000689950.1), dbSNP rs1603220042, ClinGen allele CA913179941.